The following is an entry in ClinVar:

ClinVar aggregate classification (germline): Uncertain significance (1 of 4 stars; one submission).

Submission:

Labcorp Genetics (formerly Invitae), Labcorp
Classification: Uncertain significance. Last evaluated: 2024-07-31. Review status: criteria provided, single submitter. Criteria: Invitae Variant Classification Sherloc (09022015). Collection method: clinical testing. Allele origin: germline.
Comment: This sequence change replaces glycine, which is neutral and non-polar, with alanine, which is neutral and non-polar, at codon 768 of the HIVEP2 protein (p.Gly768Ala). This variant is not present in population databases (gnomAD no frequency). This variant has not been reported in the literature in individuals affected with HIVEP2-related conditions. Advanced modeling of protein sequence and biophysical properties (such as structural, functional, and spatial information, amino acid conservation, physicochemical variation, residue mobility, and thermodynamic stability) performed at Invitae indicates that this missense variant is not expected to disrupt HIVEP2 protein function with a negative predictive value of 80%. In summary, the available evidence is currently insufficient to determine the role of this variant in disease. Therefore, it has been classified as a Variant of Uncertain Significance.

NM_006734.4(HIVEP2):c.2303G>C (p.Gly768Ala)

Gene: HIVEP2 (HIVEP zinc finger 2; minus strand). Cytogenetic location: 6q24.2.
Variant type: single nucleotide variant.
Coding change: c.2303G>C on transcript NM_006734.4 (MANE Select); coding-DNA position 2303, G replaced by C.
Protein change: p.Gly768Ala; replaces glycine 768 with alanine.
Molecular consequence: missense variant.
Genome position (GRCh38, 1-based): chr6:142,772,436, C>G on the plus strand (G>C on the coding strand, the complement: HIVEP2 is on the minus strand). VCF-style: chr6-142772436-C-G. GRCh37 (hg19) VCF-style: chr6-143093573-C-G.
Other names: short protein forms G768A.
Identifiers: ClinVar variation 3661080 (VCV003661080.2).